The following is an entry in ClinVar:

NM_004304.5(ALK):c.922G>A (p.Gly308Arg)

Gene: ALK (ALK receptor tyrosine kinase; minus strand). Cytogenetic location: 2p23.2.
Variant type: single nucleotide variant.
Coding change: c.922G>A on transcript NM_004304.5 (MANE Select); coding-DNA position 922, G replaced by A.
Protein change: p.Gly308Arg; replaces glycine 308 with arginine.
Molecular consequence: missense variant.
Genome position (GRCh38, 1-based): chr2:29,694,880, C>T on the plus strand (G>A on the coding strand, the complement: ALK is on the minus strand). VCF-style: chr2-29694880-C-T. GRCh37 (hg19) VCF-style: chr2-29917746-C-T.
Other names: short protein forms G308R.
Identifiers: ClinVar variation 470906 (VCV000470906.8), dbSNP rs1553348499, ClinGen allele CA346586865.
Genomic context (GRCh38, chr2:29,694,880, plus strand): 5'-CCAGGACATCACCAGCAGCCTCTCCCTTACCTCTGGGCATCTCCTTAGAACGCTCTGCCC[C>T]AGGCCCATCCAGCAAGTCCATCTGGGAGGCCTCCTCGGAGGGGATGCGGCGCCAGGACCA-3'
Protein context (NP_004295.2, residues 298-318): ASQMDLLDGP[Gly308Arg]AERSKEMPRG

ClinVar aggregate classification (germline): Conflicting classifications of pathogenicity. Review status: criteria provided, conflicting classifications (1 of 4 stars). 2 submissions from 2 submitters: Uncertain significance (1); Likely benign (1). Last evaluated 2025-11-10.

Conditions:
Hereditary cancer-predisposing syndrome. Also called: Hereditary neoplastic syndrome; Neoplastic Syndromes, Hereditary; Tumor predisposition; Hereditary Cancer Syndrome. Identifiers: Orphanet 140162, MedGen C0027672, MeSH D009386, MONDO:0015356.
Neuroblastoma, susceptibility to, 3. Also called: ALK-Related Neuroblastic Tumor Susceptibility. Identifiers: Orphanet 635, MedGen C2751681, MONDO:0013083, OMIM 613014.

Allele frequency attached by ClinVar (database versions not stated): gnomAD 0.00001.
gnomAD v4.1: 2 of 1,613,918 alleles (0.00012%); highest among the groups gnomAD compares: African/African-American, 0.0013%; no homozygotes.

Submissions (2):

Labcorp Genetics (formerly Invitae), Labcorp
Classification: Uncertain significance for Neuroblastoma, susceptibility to, 3. Last evaluated: 2025-11-10. Review status: criteria provided, single submitter. Criteria: Invitae Variant Classification Sherloc (09022015). Collection method: clinical testing. Allele origin: germline.
Comment: This sequence change replaces glycine, which is neutral and non-polar, with arginine, which is basic and polar, at codon 308 of the ALK protein (p.Gly308Arg). This variant is not present in population databases (gnomAD no frequency). This variant has not been reported in the literature in individuals affected with ALK-related conditions. ClinVar contains an entry for this variant (Variation ID: 470906). An algorithm developed to predict the effect of missense changes on protein structure and function (PolyPhen-2) suggests that this variant is likely to be tolerated. In summary, the available evidence is currently insufficient to determine the role of this variant in disease. Therefore, it has been classified as a Variant of Uncertain Significance.

Ambry Genetics
Classification: Likely benign for Hereditary cancer-predisposing syndrome. Last evaluated: 2024-12-16. Review status: criteria provided, single submitter. Criteria: Ambry Variant Classification Scheme 2023. Collection method: clinical testing. Allele origin: germline.